The following is an entry in ClinVar:

NM_152672.6(SLC51A):c.850T>A (p.Cys284Ser)

Gene: SLC51A (solute carrier family 51 member A; plus strand). Cytogenetic location: 3q29.
Variant type: single nucleotide variant.
Coding change: c.850T>A on transcript NM_152672.6 (MANE Select); coding-DNA position 850, T replaced by A.
Protein change: p.Cys284Ser; replaces cysteine 284 with serine.
Molecular consequence: missense variant.
Genome position (GRCh38, 1-based): chr3:196,232,488, T>A. VCF-style: chr3-196232488-T-A. GRCh37 (hg19) VCF-style: chr3-195959359-T-A.
Other names: short protein forms C284S.
Identifiers: ClinVar variation 3376286 (VCV003376286.1).
Genomic context (GRCh38, chr3:196,232,488, plus strand): 5'-ATCCTGACTGCCCTACAGCCCTCCATCTTCTCAGTCTTGGCCAACGGTGGGCAGATTGCT[T>A]GTTCGCCTCCCTATTCCTCTAAAACCAGGTCTCAAGGTGAGCACGTTAAGCCTCCTGTCC-3'
Protein context (NP_689885.4, residues 274-294): SVLANGGQIA[Cys284Ser]SPPYSSKTRS

ClinVar aggregate classification (germline): Uncertain significance (1 of 4 stars; one submission).

Conditions:
Cholestasis, progressive familial intrahepatic, 6. Identifiers: MedGen C5561965, MONDO:0030360, OMIM 619484.

Submission:

Pittsburgh Clinical Genomics Laboratory, University of Pittsburgh Medical Center
Classification: Uncertain significance for Cholestasis, progressive familial intrahepatic, 6. Last evaluated: 2022-04-08. Review status: criteria provided, single submitter. Criteria: ACMG Guidelines, 2015. Collection method: clinical testing. Allele origin: germline. Inheritance: Autosomal recessive inheritance. Affected: yes.
Comment: This sequence variant is a single nucleotide substitution (T>A) at position 850 of the coding sequence of the SLC51A gene that results in a cystine to serine amino acid change at residue 284 of the SLC51A protein. The Cys284 residue is predicted to occur in the last of 4 extracellular domains which play a critical role in the function of SLC51A in the circulation of bile acids (PMID: 32247663). This novel variant is absent from online databases of clinically annotated variants (ClinVar) and control population datasets (gnomAD database, 0 of approximately 250,000 alleles). To our knowledge, this variant has not been observed in individuals affected by SLC51A-related disorders in the published literature. Likewise, studies examining the functiol consequence of this variant have not been published, to our knowledge. However, multiple bioinformatic tools predict that this cystine to serine amino acid change would be damaging, and the Cys284 residue is strongly conserved across the vertebrate species examined. At this time, there is insufficient evidence to determine if this variant is pathogenic or benign. Therefore, we consider this a variant of uncertain significance. ACMG Criteria: PM2, PP3

Literature cited by the submitters: PubMed 32247663.